The following is an entry in ClinVar:

NM_000603.5(NOS3):c.892G>A (p.Asp298Asn)

Gene: NOS3 (nitric oxide synthase 3; plus strand). Cytogenetic location: 7q36.1.
Variant type: single nucleotide variant.
Coding change: c.892G>A on transcript NM_000603.5 (MANE Select); coding-DNA position 892, G replaced by A.
Protein change: p.Asp298Asn; replaces aspartic acid 298 with asparagine.
Molecular consequence: missense variant.
Genome position (GRCh38, 1-based): chr7:150,999,021, G>A. VCF-style: chr7-150999021-G-A. GRCh37 (hg19) VCF-style: chr7-150696109-G-A.
Other names: c.892G>A, p.Asp298Asn (NM_001160109.2, NM_001160110.1, NM_001160111.1); short protein forms D298N.
Identifiers: ClinVar variation 4977935 (VCV004977935.1).
Genomic context (GRCh38, chr7:150,999,021, plus strand): 5'-GGCTGGACCCCAGGAAACGGTCGCTTCGACGTGCTGCCCCTGCTGCTGCAGGCCCCAGAT[G>A]ATCCCCCAGAACTCTTCCTTCTGCCCCCCGAGCTGGTCCTTGAGGTGCCCCTGGAGCACC-3'
Protein context (NP_000594.2, residues 288-308): VLPLLLQAPD[Asp298Asn]PPELFLLPPE

ClinVar aggregate classification (germline): Uncertain significance (1 of 4 stars; one submission).

Conditions:
NOS3-related disorder. Also called: NOS3-related condition.

gnomAD v4.1: 36 of 1,612,454 alleles (0.0022%); highest among the groups gnomAD compares: African/African-American, 0.004%; no homozygotes.

Submission:

PreventionGenetics, part of Exact Sciences
Classification: Uncertain significance for NOS3-related condition. Last evaluated: 2025-05-07. Review status: criteria provided, single submitter. Criteria: ACMG Guidelines, 2015. Collection method: clinical testing. Allele origin: germline.
Comment: The NOS3 c.892G>A variant is predicted to result in the amino acid substitution p.Asp298Asn. To our knowledge, this variant has not been reported in the literature. This variant is reported in 0.0054% of alleles in individuals of East Asian descent in gnomAD. At this time, the clinical significance of this variant is uncertain due to the absence of conclusive functional and genetic evidence.